The following is an entry in ClinVar:

NM_025132.4(WDR19):c.749C>G (p.Ser250Ter)

Gene: WDR19 (WD repeat domain 19; plus strand). Cytogenetic location: 4p14.
Variant type: single nucleotide variant.
Coding change: c.749C>G on transcript NM_025132.4 (MANE Select); coding-DNA position 749, C replaced by G.
Protein change: p.Ser250Ter; replaces serine 250 with a stop codon.
Molecular consequence: nonsense.
Genome position (GRCh38, 1-based): chr4:39,205,595, C>G. VCF-style: chr4-39205595-C-G. GRCh37 (hg19) VCF-style: chr4-39207215-C-G.
Other names: c.269C>G, p.Ser90Ter (NM_001317924.2); short protein forms S90*, S250*.
Identifiers: ClinVar variation 2174208 (VCV002174208.4), dbSNP rs1446393665, ClinGen allele CA16609615.

ClinVar aggregate classification (germline): Pathogenic (1 of 4 stars; one submission).

Conditions:
Senior-Loken syndrome 8 (SLSN8). Identifiers: Orphanet 3156, MedGen C4225376, MONDO:0014579, OMIM 616307.
Asphyxiating thoracic dystrophy 5 (SRTD5). Also called: SHORT-RIB THORACIC DYSPLASIA 5 WITH OR WITHOUT POLYDACTYLY; SHORT-RIB THORACIC DYSPLASIA 5 WITHOUT POLYDACTYLY. Identifiers: Orphanet 474, MedGen C3280598, MONDO:0013717, OMIM 614376.

Allele frequency attached by ClinVar (database versions not stated): TOPMed below 0.00001.
gnomAD v4.1: 7 of 1,613,342 alleles (0.00043%); highest among the groups gnomAD compares: Non-Finnish European, 0.00059%; no homozygotes.

Submission:

Labcorp Genetics (formerly Invitae), Labcorp
Classification: Pathogenic for Senior-Loken syndrome 8; Asphyxiating thoracic dystrophy 5. Last evaluated: 2022-07-15. Review status: criteria provided, single submitter. Criteria: Invitae Variant Classification Sherloc (09022015). Collection method: clinical testing. Allele origin: germline.
Comment: This sequence change creates a premature translational stop signal (p.Ser250*) in the WDR19 gene. It is expected to result in an absent or disrupted protein product. Loss-of-function variants in WDR19 are known to be pathogenic (PMID: 22019273, 23559409, 23683095, 26275793, 27241786, 29068549). This variant is not present in population databases (gnomAD no frequency). This variant has not been reported in the literature in individuals affected with WDR19-related conditions. For these reasons, this variant has been classified as Pathogenic.

Literature cited by the submitters: PubMed 22019273; PubMed 23559409; PubMed 23683095; PubMed 26275793; PubMed 27241786; PubMed 29068549.